The following is an entry in ClinVar:

ClinVar aggregate classification (germline): Likely pathogenic (1 of 4 stars; one submission).

Conditions:
Hereditary factor VIII deficiency disease (HEMA). Also called: AUTOSOMAL HEMOPHILIA A; HEMOPHILIA, CLASSIC; Hemophilia A, congenital; HEM A; Factor 8 deficiency, congenital; Hemophilia A. Identifiers: Orphanet 98878, MedGen C0019069, MONDO:0010602, OMIM 306700.

Submission:

Juno Genomics, Hangzhou Juno Genomics, Inc
Classification: Likely pathogenic for Hereditary factor VIII deficiency disease. Review status: criteria provided, single submitter. Criteria: ACMG Guidelines, 2015. Collection method: clinical testing. Allele origin: germline. Affected: yes.
Comment: Absent from controls (or at extremely low frequency if recessive) in Genome Aggregation Database.;Multiple lines of computational evidence support a deleterious effect on the gene or gene product.;The prevalence of the variant in affected individuals is significantly increased compared to the prevalence in controls.

NM_000132.4(F8):c.5557G>A (p.Ala1853Thr)

Gene: F8 (coagulation factor VIII; minus strand). Cytogenetic location: Xq28.
Variant type: single nucleotide variant.
Coding change: c.5557G>A on transcript NM_000132.4 (MANE Select); coding-DNA position 5557, G replaced by A.
Protein change: p.Ala1853Thr; replaces alanine 1853 with threonine.
Molecular consequence: missense variant.
Genome position (GRCh38, 1-based): chrX:154,904,840, C>T on the plus strand (G>A on the coding strand, the complement: F8 is on the minus strand). VCF-style: chrX-154904840-C-T. GRCh37 (hg19) VCF-style: chrX-154133115-C-T.
Other names: short protein forms A1853T.
Identifiers: ClinVar variation 5019658 (VCV005019658.1).